The following is an entry in ClinVar:

ClinVar aggregate classification (germline): Uncertain significance (1 of 4 stars; one submission).

Conditions:
Left-right axis malformations. Identifiers: MedGen C1866091.

Allele frequency attached by ClinVar (database versions not stated): gnomAD 0.00001 and 0.00003; TOPMed 0.00001; ExAC 0.00003; gnomAD exomes 0.00004; 1000 Genomes Project 30x 0.00016; 1000 Genomes Project 0.00020.

Submission:

Labcorp Genetics (formerly Invitae), Labcorp
Classification: Uncertain significance for Left-right axis malformations. Last evaluated: 2024-08-23. Review status: criteria provided, single submitter. Criteria: Invitae Variant Classification Sherloc (09022015). Collection method: clinical testing. Allele origin: germline.
Comment: This sequence change replaces glutamic acid, which is acidic and polar, with lysine, which is basic and polar, at codon 284 of the LEFTY2 protein (p.Glu284Lys). This variant is present in population databases (rs571804276, gnomAD 0.05%). This variant has not been reported in the literature in individuals affected with LEFTY2-related conditions. ClinVar contains an entry for this variant (Variation ID: 1051954). Invitae Evidence Modeling of protein sequence and biophysical properties (such as structural, functional, and spatial information, amino acid conservation, physicochemical variation, residue mobility, and thermodynamic stability) indicates that this missense variant is expected to disrupt LEFTY2 protein function with a positive predictive value of 80%. In summary, the available evidence is currently insufficient to determine the role of this variant in disease. Therefore, it has been classified as a Variant of Uncertain Significance.

NM_003240.5(LEFTY2):c.850G>A (p.Glu284Lys)

Gene: LEFTY2 (left-right determination factor 2; minus strand). Cytogenetic location: 1q42.12.
Variant type: single nucleotide variant.
Coding change: c.850G>A on transcript NM_003240.5 (MANE Select); coding-DNA position 850, G replaced by A.
Protein change: p.Glu284Lys; replaces glutamic acid 284 with lysine.
Molecular consequence: missense variant.
Genome position (GRCh38, 1-based): chr1:225,937,692, C>T on the plus strand (G>A on the coding strand, the complement: LEFTY2 is on the minus strand). VCF-style: chr1-225937692-C-T. GRCh37 (hg19) VCF-style: chr1-226125392-C-T.
Other names: c.748G>A, p.Glu250Lys (NM_001172425.3); short protein forms E250K, E284K.
Identifiers: ClinVar variation 1051954 (VCV001051954.9), dbSNP rs571804276, ClinGen allele CA1420463.
Genomic context (GRCh38, chr1:225,937,692, plus strand): 5'-GGGCCTCCGGGGGCTGCTGGCAGGTGCCCACACACTCGTAAGCCAGGAAGCCCGGGGGCT[C>T]CAGCACCCAGTTCTTGGCCCACTTCATCCCCTGCAGGTCAATGTACATCTCCTGGCGGCA-3'
Protein context (NP_003231.2, residues 274-294): GMKWAKNWVL[Glu284Lys]PPGFLAYECV